The following is an entry in ClinVar:

ClinVar aggregate classification (germline): Uncertain significance. Review status: criteria provided, multiple submitters, no conflicts (2 of 4 stars). 2 submissions from 2 submitters: Uncertain significance (2). Last evaluated 2023-02-01.

gnomAD v4.1: 2 of 1,192,264 alleles (0.00017%); highest among the groups gnomAD compares: Non-Finnish European, 0.00023%; no homozygotes.

Submissions (2):

CeGaT Center for Human Genetics Tuebingen
Classification: Uncertain significance. Last evaluated: 2023-02-01. Review status: criteria provided, single submitter. Criteria: CeGaT Center For Human Genetics Tuebingen Variant Classification Criteria Version 2. Collection method: clinical testing. Allele origin: germline. Affected: yes. Observed: 1 variant allele.
Comment: POLA1: PM2

Labcorp Genetics (formerly Invitae), Labcorp
Classification: Uncertain significance. Last evaluated: 2021-08-11. Review status: criteria provided, single submitter. Criteria: Invitae Variant Classification Sherloc (09022015). Collection method: clinical testing. Allele origin: germline.
Comment: This variant is not present in population databases (ExAC no frequency). This sequence change replaces leucine with methionine at codon 700 of the POLA1 protein (p.Leu700Met). The leucine residue is highly conserved and there is a small physicochemical difference between leucine and methionine. This variant has not been reported in the literature in individuals affected with POLA1-related conditions. Algorithms developed to predict the effect of missense changes on protein structure and function are either unavailable or do not agree on the potential impact of this missense change (SIFT: "Tolerated"; PolyPhen-2: "Probably Damaging"; Align-GVGD: "Class C0"). In summary, the available evidence is currently insufficient to determine the role of this variant in disease. Therefore, it has been classified as a Variant of Uncertain Significance.

NM_001330360.2(POLA1):c.2116T>A (p.Leu706Met)

Gene: POLA1 (DNA polymerase alpha 1, catalytic subunit; plus strand). Cytogenetic location: Xp22.11.
Variant type: single nucleotide variant.
Coding change: c.2116T>A on transcript NM_001330360.2 (MANE Select); coding-DNA position 2116, T replaced by A.
Protein change: p.Leu706Met; replaces leucine 706 with methionine.
Molecular consequence: missense variant.
Genome position (GRCh38, 1-based): chrX:24,739,450, T>A. VCF-style: chrX-24739450-T-A. GRCh37 (hg19) VCF-style: chrX-24757567-T-A.
Other names: c.2041T>A, p.Leu681Met (NM_001378303.1); c.2098T>A, p.Leu700Met (NM_016937.4); short protein forms L700M, L681M, L706M.
Identifiers: ClinVar variation 1374327 (VCV001374327.29), dbSNP rs2148387997, ClinGen allele CA412535493.
Genomic context (GRCh38, chrX:24,739,450, plus strand): 5'-GGTGAAAGAAATGCTACCTGTGGTCGAATGATCTGTGATGTGGAAATTTCAGCAAAGGAA[T>A]TGATTCGTTGTAAAAGCTACCATCTGTCTGAACTTGTTCAGCAGATTCTAAAAACTGAAA-3'
Protein context (NP_001317289.1, residues 696-716): ICDVEISAKE[Leu706Met]IRCKSYHLSE